The following is an entry in ClinVar:

NM_006031.6(PCNT):c.1330G>C (p.Glu444Gln)

Gene: PCNT (pericentrin; plus strand). Cytogenetic location: 21q22.3.
Variant type: single nucleotide variant.
Coding change: c.1330G>C on transcript NM_006031.6 (MANE Select); coding-DNA position 1330, G replaced by C.
Protein change: p.Glu444Gln; replaces glutamic acid 444 with glutamine.
Molecular consequence: missense variant.
Genome position (GRCh38, 1-based): chr21:46,349,806, G>C. VCF-style: chr21-46349806-G-C. GRCh37 (hg19) VCF-style: chr21-47769720-G-C.
Other names: c.976G>C, p.Glu326Gln (NM_001315529.2); short protein forms E444Q, E326Q.
Identifiers: ClinVar variation 2251381 (VCV002251381.3), dbSNP rs779903829, ClinGen allele CA10078577.

ClinVar aggregate classification (germline): Uncertain significance. Review status: criteria provided, multiple submitters, no conflicts (2 of 4 stars). 2 submissions from 2 submitters: Uncertain significance (2). Last evaluated 2025-05-10.

Conditions:
PCNT-related disorder. Also called: PCNT-related condition.
Inborn genetic diseases. Identifiers: MedGen C0950123, MeSH D030342.

Allele frequency attached by ClinVar (database versions not stated): TOPMed 0.00002; ExAC 0.00003; gnomAD 0.00003.
gnomAD v4.1: 31 of 1,614,056 alleles (0.0019%); highest among the groups gnomAD compares: South Asian, 0.032%; no homozygotes.

Submissions (2):

PreventionGenetics, part of Exact Sciences
Classification: Uncertain significance for PCNT-related condition. Last evaluated: 2025-05-10. Review status: criteria provided, single submitter. Criteria: ACMG Guidelines, 2015. Collection method: clinical testing. Allele origin: germline.
Comment: The PCNT c.1330G>C variant is predicted to result in the amino acid substitution p.Glu444Gln. To our knowledge, this variant has not been reported in the literature. This variant is reported in 0.023% of alleles in individuals of South Asian descent in gnomAD. At this time, the clinical significance of this variant is uncertain due to the absence of conclusive functional and genetic evidence.

Ambry Genetics
Classification: Uncertain significance for Inborn genetic diseases. Last evaluated: 2021-09-17. Review status: criteria provided, single submitter. Criteria: Ambry Variant Classification Scheme 2023. Collection method: clinical testing. Allele origin: germline.